The following is an entry in ClinVar:

ClinVar aggregate classification (germline): Conflicting classifications of pathogenicity. Review status: criteria provided, conflicting classifications (1 of 4 stars). 4 submissions from 4 submitters: Uncertain significance (3); Likely benign (1). Last evaluated 2025-07-30.

Conditions:
Fanconi anemia complementation group D2. Also called: FANCD2-Related Fanconi Anemia; FANCONI PANCYTOPENIA, TYPE 4; FANCONI ANEMIA, COMPLEMENTATION GROUP D. Identifiers: Orphanet 84, MedGen C3160738, MONDO:0009214, OMIM 227646.
Fanconi anemia (FA). Also called: Fanconi's anemia. Identifiers: Orphanet 84, MedGen C0015625, MeSH D005199, MONDO:0019391.

Allele frequency attached by ClinVar (database versions not stated): gnomAD 0.00004 and 0.00005; gnomAD exomes 0.00004; TOPMed 0.00006; ExAC 0.00001.
gnomAD v4.1: 114 of 1,613,908 alleles (0.0071%); highest among the groups gnomAD compares: Non-Finnish European, 0.0091%; no homozygotes.

Submissions (4):

Labcorp Genetics (formerly Invitae), Labcorp
Classification: Uncertain significance for Fanconi anemia. Last evaluated: 2025-07-30. Review status: criteria provided, single submitter. Criteria: Invitae Variant Classification Sherloc (09022015). Collection method: clinical testing. Allele origin: germline.
Comment: This sequence change replaces threonine, which is neutral and polar, with methionine, which is neutral and non-polar, at codon 1351 of the FANCD2 protein (p.Thr1351Met). This variant is present in population databases (rs775898191, gnomAD 0.009%). This variant has not been reported in the literature in individuals affected with FANCD2-related conditions. ClinVar contains an entry for this variant (Variation ID: 456359). Invitae Evidence Modeling of protein sequence and biophysical properties (such as structural, functional, and spatial information, amino acid conservation, physicochemical variation, residue mobility, and thermodynamic stability) indicates that this missense variant is not expected to disrupt FANCD2 protein function with a negative predictive value of 80%. In summary, the available evidence is currently insufficient to determine the role of this variant in disease. Therefore, it has been classified as a Variant of Uncertain Significance.

CeGaT Center for Human Genetics Tuebingen
Classification: Likely benign. Last evaluated: 2022-05-01. Review status: criteria provided, single submitter. Criteria: CeGaT Center For Human Genetics Tuebingen Variant Classification Criteria Version 2. Collection method: clinical testing. Allele origin: germline. Affected: yes. Observed: 1 variant allele.
Comment: FANCD2: BP4

Fulgent Genetics
Classification: Uncertain significance for Fanconi anemia complementation group D2. Last evaluated: 2022-04-29. Review status: criteria provided, single submitter. Criteria: ACMG Guidelines, 2015. Collection method: clinical testing. Allele origin: unknown.

Institute for Clinical Genetics, University Hospital TU Dresden, University Hospital TU Dresden
Classification: Uncertain significance. Last evaluated: 2021-11-03. Review status: criteria provided, single submitter. Criteria: ACMG Guidelines, 2015. Collection method: clinical testing. Allele origin: germline.

NM_001018115.3(FANCD2):c.4052C>T (p.Thr1351Met)

Genes: FANCD2 (FA complementation group D2; plus strand), FANCD2OS (FANCD2 opposite strand; minus strand). Cytogenetic location: 3p25.3.
Variant type: single nucleotide variant.
Coding change: c.4052C>T on transcript NM_001018115.3 (MANE Select); coding-DNA position 4052, C replaced by T.
Protein change: p.Thr1351Met; replaces threonine 1351 with methionine.
Molecular consequence: missense variant. On other transcripts: intron variant (1).
Genome position (GRCh38, 1-based): chr3:10,096,339, C>T. VCF-style: chr3-10096339-C-T. GRCh37 (hg19) VCF-style: chr3-10138023-C-T.
Other names: c.4052C>T, p.Thr1351Met (NM_001319984.2, NM_033084.6); c.3941C>T, p.Thr1314Met (NM_001374253.1); c.4013C>T, p.Thr1338Met (NM_001374254.1); c.*43+7859G>A (NM_173472.2); short protein forms T1351M, T1314M, T1338M.
Identifiers: ClinVar variation 456359 (VCV000456359.72), dbSNP rs775898191, ClinGen allele CA2250621.